The following is an entry in ClinVar:

NM_000535.7(PMS2):c.1783G>A (p.Val595Ile)

Gene: PMS2 (PMS1 homolog 2, mismatch repair system component; minus strand). Cytogenetic location: 7p22.1.
Variant type: single nucleotide variant.
Coding change: c.1783G>A on transcript NM_000535.7 (MANE Select); coding-DNA position 1783, G replaced by A.
Protein change: p.Val595Ile; replaces valine 595 with isoleucine.
Molecular consequence: missense variant. On other transcripts: non-coding transcript variant (1).
Genome position (GRCh38, 1-based): chr7:5,986,982, C>T on the plus strand (G>A on the coding strand, the complement: PMS2 is on the minus strand). VCF-style: chr7-5986982-C-T. GRCh37 (hg19) VCF-style: chr7-6026613-C-T.
Other names: c.1378G>A, p.Val460Ile (NM_001018040.1, NM_001322003.2, NM_001322004.2 and 17 more transcripts); c.1627G>A, p.Val543Ile (NM_001322006.2, NM_001406870.1); c.1465G>A, p.Val489Ile (NM_001322007.2, NM_001322008.2, NM_001406876.1 and 2 more transcripts); c.1783G>A, p.Val595Ile (NM_001406871.1, NM_001406872.1, NM_001322014.2); c.1585G>A, p.Val529Ile (NM_001406873.1); c.1615G>A, p.Val539Ile (NM_001406874.1); c.1474G>A, p.Val492Ile (NM_001406875.1, NM_001406877.1, NM_001406878.1 and 5 more transcripts); c.1210G>A, p.Val404Ile (NM_001406909.1, NM_001322013.2); and 12 more; short protein forms V284I, V338I, V404I, V408I, V424I, V437I, V440I, V460I.
Identifiers: ClinVar variation 1720867 (VCV001720867.7), dbSNP rs1171070752, ClinGen allele CA366739875.

ClinVar aggregate classification (germline): Conflicting classifications of pathogenicity. Review status: criteria provided, conflicting classifications (1 of 4 stars). 2 submissions from 2 submitters: Uncertain significance (1); Likely benign (1). Last evaluated 2026-09-04.

Conditions:
Hereditary cancer-predisposing syndrome. Also called: Tumor predisposition; Hereditary neoplastic syndrome; Neoplastic Syndromes, Hereditary; Hereditary Cancer Syndrome. Identifiers: Orphanet 140162, MedGen C0027672, MeSH D009386, MONDO:0015356.
Hereditary nonpolyposis colorectal neoplasms. Identifiers: MedGen C0009405, MeSH D003123.

Allele frequency attached by ClinVar (database versions not stated): gnomAD 0.00001.
gnomAD v4.1: 3 of 1,614,030 alleles (0.00019%); highest among the groups gnomAD compares: Non-Finnish European, 0.00025%; no homozygotes.

Submissions (2):

Ambry Genetics
Classification: Likely benign for Hereditary cancer-predisposing syndrome. Last evaluated: 2026-09-04. Review status: criteria provided, single submitter. Criteria: Ambry Variant Classification Scheme 2023. Collection method: clinical testing. Allele origin: germline.

Labcorp Genetics (formerly Invitae), Labcorp
Classification: Uncertain significance for Hereditary nonpolyposis colorectal neoplasms. Last evaluated: 2022-10-03. Review status: criteria provided, single submitter. Criteria: Invitae Variant Classification Sherloc (09022015). Collection method: clinical testing. Allele origin: germline.
Comment: Advanced modeling of protein sequence and biophysical properties (such as structural, functional, and spatial information, amino acid conservation, physicochemical variation, residue mobility, and thermodynamic stability) performed at Invitae indicates that this missense variant is not expected to disrupt PMS2 protein function. This variant has not been reported in the literature in individuals affected with PMS2-related conditions. This variant is present in population databases (no rsID available, gnomAD 0.007%). This sequence change replaces valine, which is neutral and non-polar, with isoleucine, which is neutral and non-polar, at codon 595 of the PMS2 protein (p.Val595Ile). In summary, the available evidence is currently insufficient to determine the role of this variant in disease. Therefore, it has been classified as a Variant of Uncertain Significance.